The following is an entry in ClinVar:

NM_007059.4(KPTN):c.1234G>A (p.Val412Met)

Gene: KPTN (kaptin, actin binding protein; minus strand). Cytogenetic location: 19q13.32.
Variant type: single nucleotide variant.
Coding change: c.1234G>A on transcript NM_007059.4 (MANE Select); coding-DNA position 1234, G replaced by A.
Protein change: p.Val412Met; replaces valine 412 with methionine.
Molecular consequence: missense variant. On other transcripts: non-coding transcript variant (1).
Genome position (GRCh38, 1-based): chr19:47,475,493, C>T on the plus strand (G>A on the coding strand, the complement: KPTN is on the minus strand). VCF-style: chr19-47475493-C-T. GRCh37 (hg19) VCF-style: chr19-47978750-C-T.
Other names: c.1066G>A, p.Val356Met (NM_001291296.2); short protein forms V412M, V356M.
Identifiers: ClinVar variation 1030188 (VCV001030188.1), dbSNP rs1967632751, ClinGen allele CA406598036.

ClinVar aggregate classification (germline): Uncertain significance (1 of 4 stars; one submission).

Conditions:
Macrocephaly-developmental delay syndrome (MRT41). Also called: INTELLECTUAL DEVELOPMENTAL DISORDER, AUTOSOMAL RECESSIVE 41. Identifiers: Orphanet 397612, MedGen C3810225, MONDO:0014289, OMIM 615637.

Allele frequency attached by ClinVar (database versions not stated): gnomAD exomes below 0.00001.
gnomAD v4.1: 2 of 1,613,560 alleles (0.00012%); highest among the groups gnomAD compares: Middle Eastern, 0.017%; no homozygotes.

Submission:

Baylor Genetics
Classification: Uncertain significance for Macrocephaly-developmental delay syndrome. Last evaluated: 2020-02-08. Review status: criteria provided, single submitter. Criteria: ACMG Guidelines, 2015. Collection method: clinical testing. Allele origin: unknown. Affected: yes.
Comment: This variant was determined to be of uncertain significance according to ACMG Guidelines, 2015 [PMID:25741868].